The following is an entry in ClinVar:

ClinVar aggregate classification (germline): Uncertain significance (1 of 4 stars; one submission).

Conditions:
ANKRD17-related disorder. Also called: ANKRD17-related condition.

Submission:

PreventionGenetics, part of Exact Sciences
Classification: Uncertain significance for ANKRD17-related condition. Last evaluated: 2023-09-13. Review status: criteria provided, single submitter. Criteria: ACMG Guidelines, 2015. Collection method: clinical testing. Allele origin: germline.
Comment: The ANKRD17 c.1310C>A variant is predicted to result in the amino acid substitution p.Ala437Asp. To our knowledge, this variant has not been reported in the literature or in a large population database, indicating this variant is rare. At this time, the clinical significance of this variant is uncertain due to the absence of conclusive functional and genetic evidence.

NM_032217.5(ANKRD17):c.1310C>A (p.Ala437Asp)

Gene: ANKRD17 (ankyrin repeat domain 17; minus strand). Cytogenetic location: 4q13.3.
Variant type: single nucleotide variant.
Coding change: c.1310C>A on transcript NM_032217.5 (MANE Select); coding-DNA position 1310, C replaced by A.
Protein change: p.Ala437Asp; replaces alanine 437 with aspartic acid.
Molecular consequence: missense variant.
Genome position (GRCh38, 1-based): chr4:73,151,449, G>T on the plus strand (C>A on the coding strand, the complement: ANKRD17 is on the minus strand). VCF-style: chr4-73151449-G-T. GRCh37 (hg19) VCF-style: chr4-74017166-G-T.
Other names: c.971C>A, p.Ala324Asp (NM_001286771.3); c.1310C>A, p.Ala437Asp (NM_015574.2, NM_198889.3); short protein forms A324D, A437D.
Identifiers: ClinVar variation 2631345 (VCV002631345.1), dbSNP rs2531193046, ClinGen allele CA357226993.